The following is an entry in ClinVar:

NM_001903.5(CTNNA1):c.160C>T (p.Arg54Cys)

Gene: CTNNA1 (catenin alpha 1; plus strand). Cytogenetic location: 5q31.2.
Variant type: single nucleotide variant.
Coding change: c.160C>T on transcript NM_001903.5 (MANE Select); coding-DNA position 160, C replaced by T.
Protein change: p.Arg54Cys; replaces arginine 54 with cysteine.
Molecular consequence: missense variant. On other transcripts: 5 prime UTR variant (1), intron variant (1).
Genome position (GRCh38, 1-based): chr5:138,783,231, C>T. VCF-style: chr5-138783231-C-T. GRCh37 (hg19) VCF-style: chr5-138118920-C-T.
Other names: c.160C>T, p.Arg54Cys (NM_001290307.3, NM_001323982.2, NM_001323983.1 and 3 more transcripts); c.-47C>T (NM_001290310.3); c.-9+1202C>T (NM_001290309.3); short protein forms R54C.
Identifiers: ClinVar variation 819658 (VCV000819658.14), dbSNP rs781520852, ClinGen allele CA3431367.

ClinVar aggregate classification (germline): Uncertain significance. Review status: criteria provided, multiple submitters, no conflicts (2 of 4 stars). 3 submissions from 3 submitters: Uncertain significance (3). Last evaluated 2025-11-17.

Conditions:
Hereditary cancer-predisposing syndrome. Also called: Neoplastic Syndromes, Hereditary; Tumor predisposition; Hereditary Cancer Syndrome; Hereditary neoplastic syndrome. Identifiers: Orphanet 140162, MedGen C0027672, MeSH D009386, MONDO:0015356.

Allele frequency attached by ClinVar (database versions not stated): gnomAD 0.00001; gnomAD exomes 0.00001; ExAC 0.00002; TOPMed 0.00002.
gnomAD v4.1: 11 of 1,613,870 alleles (0.00068%); highest among the groups gnomAD compares: South Asian, 0.0088%; no homozygotes.

Submissions (3):

Labcorp Genetics (formerly Invitae), Labcorp
Classification: Uncertain significance. Last evaluated: 2025-11-17. Review status: criteria provided, single submitter. Criteria: Invitae Variant Classification Sherloc (09022015). Collection method: clinical testing. Allele origin: germline.
Comment: This sequence change replaces arginine, which is basic and polar, with cysteine, which is neutral and slightly polar, at codon 54 of the CTNNA1 protein (p.Arg54Cys). This variant is present in population databases (rs781520852, gnomAD 0.008%). This missense change has been observed in individual(s) with retinal pigment epithelium atrophy and/or undergoing hereditary testing for gastric or breast cancer (PMID: 26691986, 32051609). ClinVar contains an entry for this variant (Variation ID: 819658). Invitae Evidence Modeling of protein sequence and biophysical properties (such as structural, functional, and spatial information, amino acid conservation, physicochemical variation, residue mobility, and thermodynamic stability) indicates that this missense variant is not expected to disrupt CTNNA1 protein function with a negative predictive value of 80%. Experimental studies have shown that this missense change does not substantially affect CTNNA1 function (PMID: 26691986). In summary, the available evidence is currently insufficient to determine the role of this variant in disease. Therefore, it has been classified as a Variant of Uncertain Significance.

Ambry Genetics
Classification: Uncertain significance for Hereditary cancer-predisposing syndrome. Last evaluated: 2025-01-30. Review status: criteria provided, single submitter. Criteria: Ambry Variant Classification Scheme 2023. Collection method: clinical testing. Allele origin: germline.
Comment: The p.R54C variant (also known as c.160C>T), located in coding exon 2 of the CTNNA1 gene, results from a C to T substitution at nucleotide position 160. The arginine at codon 54 is replaced by cysteine, an amino acid with highly dissimilar properties. This amino acid position is highly conserved in available vertebrate species. In addition, the in silico prediction for this alteration is inconclusive. The evidence for this gene-disease relationship is limited; therefore, the clinical significance of this alteration is unclear.

GeneDx
Classification: Uncertain significance. Last evaluated: 2024-07-19. Review status: criteria provided, single submitter. Criteria: GeneDx Variant Classification Process June 2021. Collection method: clinical testing. Allele origin: germline. Affected: yes.
Comment: Published functional studies demonstrate no impact on interaction with vinculin (PMID: 26691986); Observed in individuals with macular or retinal pigment dystrophy without the classic butterfly pattern, and in individuals referred for hereditary cancer testing (PMID: 32051609, 26691986, 32717343); In silico analysis supports that this missense variant has a deleterious effect on protein structure/function; This variant is associated with the following publications: (PMID: 32051609, 32717343, 26691986)

Literature cited by the submitters: PubMed 26691986 (cited by Labcorp Genetics (formerly Invitae), Labcorp); PubMed 32051609 (cited by Labcorp Genetics (formerly Invitae), Labcorp).